The following is an entry in ClinVar:

NM_000388.4(CASR):c.2182G>C (p.Val728Leu)

Gene: CASR (calcium sensing receptor; plus strand). Cytogenetic location: 3q21.1.
Variant type: single nucleotide variant.
Coding change: c.2182G>C on transcript NM_000388.4 (MANE Select); coding-DNA position 2182, G replaced by C.
Protein change: p.Val728Leu; replaces valine 728 with leucine.
Molecular consequence: missense variant.
Genome position (GRCh38, 1-based): chr3:122,284,136, G>C. VCF-style: chr3-122284136-G-C. GRCh37 (hg19) VCF-style: chr3-122002983-G-C.
Other names: c.2212G>C, p.Val738Leu (NM_001178065.2); short protein forms V728L, V738L.
Identifiers: ClinVar variation 644486 (VCV000644486.11), dbSNP rs1576877587, ClinGen allele CA354158921.

ClinVar aggregate classification (germline): Uncertain significance. Review status: criteria provided, multiple submitters, no conflicts (2 of 4 stars). 2 submissions from 2 submitters: Uncertain significance (2). Last evaluated 2021-09-10.

Conditions:
Autosomal dominant hypocalcemia 1 (HYPOC1). Also called: HYPOCALCEMIA, FAMILIAL. Identifiers: MedGen C3715128, MONDO:0011013, OMIM 601198.
Familial hypocalciuric hypercalcemia (FHH). Also called: Familial benign hypercalcemia. Identifiers: Orphanet 405, MedGen C1809471, MONDO:0018458.
Nephrolithiasis/nephrocalcinosis. Identifiers: MedGen CN580796.

Submissions (2):

Ambry Genetics
Classification: Uncertain significance for Nephrolithiasis/nephrocalcinosis. Last evaluated: 2021-09-10. Review status: criteria provided, single submitter. Criteria: Ambry Variant Classification Scheme 2023. Collection method: clinical testing. Allele origin: germline.
Comment: The p.V728L variant (also known as c.2182G>C), located in coding exon 6 of the CASR gene, results from a G to C substitution at nucleotide position 2182. The valine at codon 728 is replaced by leucine, an amino acid with highly similar properties. This amino acid position is conserved. In addition, this alteration is predicted to be deleterious by in silico analysis. Since supporting evidence is limited at this time, the clinical significance of this alteration remains unclear.

Labcorp Genetics (formerly Invitae), Labcorp
Classification: Uncertain significance for Familial hypocalciuric hypercalcemia; Autosomal dominant hypocalcemia 1. Last evaluated: 2018-07-03. Review status: criteria provided, single submitter. Criteria: Invitae Variant Classification Sherloc (09022015). Collection method: clinical testing. Allele origin: germline.
Comment: In summary, the available evidence is currently insufficient to determine the role of this variant in disease. Therefore, it has been classified as a Variant of Uncertain Significance. Algorithms developed to predict the effect of missense changes on protein structure and function (SIFT, PolyPhen-2, Align-GVGD) all suggest that this variant is likely to be disruptive, but these predictions have not been confirmed by published functional studies and their clinical significance is uncertain. This variant has not been reported in the literature in individuals with CASR-related disease. This variant is not present in population databases (ExAC no frequency). This sequence change replaces valine with leucine at codon 728 of the CASR protein (p.Val728Leu). The valine residue is highly conserved and there is a small physicochemical difference between valine and leucine.